The following is an entry in ClinVar:

ClinVar aggregate classification (germline): Likely benign (1 of 4 stars; one submission).

Conditions:
Tuberous sclerosis 2 (TSC2). Identifiers: Orphanet 805, MedGen C1860707, MONDO:0013199, OMIM 613254.

Submission:

Myriad Genetics, Inc.
Classification: Likely benign for Tuberous sclerosis 2. Last evaluated: 2025-05-22. Review status: criteria provided, single submitter. Criteria: Myriad Autosomal Dominant, Autosomal Recessive and X-Linked Classification Criteria (2023). Collection method: clinical testing. Allele origin: unknown.
Comment: This variant is considered likely benign. This variant is intronic and is not expected to impact mRNA splicing.

NM_000548.5(TSC2):c.2742+9_2742+10del

Gene: TSC2 (TSC complex subunit 2; plus strand). Cytogenetic location: 16p13.3.
Variant type: Deletion.
Coding change: c.2742+9_2742+10del on transcript NM_000548.5 (MANE Select); bases 9 to 10 of the intron after coding-DNA position 2742, 2 bases deleted (AG; older notation c.2742+9_2742+10delAG).
Molecular consequence: intron variant.
Genome position (GRCh38, 1-based): chr16:2,076,179-2,076,180, AG deleted. VCF-style (leftmost placement, unchanged base first): chr16-2076178-CAG-C. GRCh37 (hg19) VCF-style: chr16-2126179-CAG-C.
Other names: c.1398+9_1398+10del (NM_001406693.1, NM_001406689.1, NM_001406690.1 and 6 more transcripts); c.2832+9_2832+10del (NM_001406667.1, NM_001406668.1); c.2142+9_2142+10del (NM_001406680.1, NM_001406683.1, NM_001406687.1 and 6 more transcripts); c.1140+9_1140+10del (NM_001406698.1); c.2742+9_2742+10del (NM_001114382.3, NM_001406663.1, NM_001406664.1 and 6 more transcripts); c.2730+9_2730+10del (NM_001406671.1, NM_001406673.1); c.2280+9_2280+10del (NM_001406681.1); c.2631+9_2631+10del (NM_001406670.1, NM_001318827.2, NM_001406678.1); and 3 more.
Identifiers: ClinVar variation 4071086 (VCV004071086.1).